The following is an entry in ClinVar:

ClinVar aggregate classification (germline): Uncertain significance (1 of 4 stars; one submission).

Conditions:
Glycogen storage disease, type VII (GSD7). Also called: MUSCLE PHOSPHOFRUCTOKINASE DEFICIENCY; PFKM DEFICIENCY; TARUI DISEASE; GSD VII. Identifiers: Orphanet 371, MedGen C0017926, MONDO:0009295, OMIM 232800.

gnomAD v4.1: 10 of 1,614,108 alleles (0.00062%); highest among the groups gnomAD compares: Non-Finnish European, 0.00085%; no homozygotes.

Submission:

Labcorp Genetics (formerly Invitae), Labcorp
Classification: Uncertain significance for Glycogen storage disease, type VII. Last evaluated: 2022-02-20. Review status: criteria provided, single submitter. Criteria: Invitae Variant Classification Sherloc (09022015). Collection method: clinical testing. Allele origin: germline.
Comment: This sequence change replaces arginine, which is basic and polar, with cysteine, which is neutral and slightly polar, at codon 129 of the PFKM protein (p.Arg129Cys). This variant is not present in population databases (gnomAD no frequency). This variant has not been reported in the literature in individuals affected with PFKM-related conditions. Algorithms developed to predict the effect of missense changes on protein structure and function are either unavailable or do not agree on the potential impact of this missense change (SIFT: "Deleterious"; PolyPhen-2: "Benign"; Align-GVGD: "Class C0"). In summary, the available evidence is currently insufficient to determine the role of this variant in disease. Therefore, it has been classified as a Variant of Uncertain Significance.

NM_000289.6(PFKM):c.385C>T (p.Arg129Cys)

Gene: PFKM (phosphofructokinase, muscle; plus strand). Cytogenetic location: 12q13.11.
Variant type: single nucleotide variant.
Coding change: c.385C>T on transcript NM_000289.6 (MANE Select); coding-DNA position 385, C replaced by T.
Protein change: p.Arg129Cys; replaces arginine 129 with cysteine.
Molecular consequence: missense variant. On other transcripts: non-coding transcript variant (6).
Genome position (GRCh38, 1-based): chr12:48,133,015, C>T. VCF-style: chr12-48133015-C-T. GRCh37 (hg19) VCF-style: chr12-48526798-C-T.
Other names: c.598C>T, p.Arg200Cys (NM_001166686.2, NM_001354737.1, NM_001354738.1 and 1 more transcripts); c.385C>T, p.Arg129Cys (NM_001166687.2, NM_001166688.2, NM_001354742.2 and 4 more transcripts); c.694C>T, p.Arg232Cys (NM_001354735.1, NM_001354736.1); c.529C>T, p.Arg177Cys (NM_001354740.1); c.409C>T, p.Arg137Cys (NM_001354741.2); c.298C>T, p.Arg100Cys (NM_001354745.2); c.235C>T, p.Arg79Cys (NM_001354747.2, NM_001354748.2); short protein forms R100C, R177C, R129C, R79C, R137C, R200C, R232C.
Identifiers: ClinVar variation 2161809 (VCV002161809.1), dbSNP rs762752401, ClinGen allele CA384542384.
Genomic context (GRCh38, chr12:48,133,015, plus strand): 5'-GGGATCACCAATCTCTGTGTCATTGGGGGTGATGGCAGCCTCACTGGGGCTGACACCTTC[C>T]GTTCTGAGTGGAGTGACTTGTTGAGTGACCTCCAGAAAGCAGGTAAGAGAGTTTTCACAT-3'
Protein context (NP_000280.1, residues 119-139): DGSLTGADTF[Arg129Cys]SEWSDLLSDL